The following is an entry in ClinVar:

NM_018117.12(WDR11):c.1392C>T (p.Pro464=)

Gene: WDR11 (WD repeat domain 11; plus strand). Cytogenetic location: 10q26.12.
Variant type: single nucleotide variant.
Coding change: c.1392C>T on transcript NM_018117.12 (MANE Select); coding-DNA position 1392, C replaced by T.
Protein change: p.Pro464=; no amino-acid change (proline 464 retained).
Molecular consequence: synonymous variant.
Genome position (GRCh38, 1-based): chr10:120,871,267, C>T. VCF-style: chr10-120871267-C-T. GRCh37 (hg19) VCF-style: chr10-122630779-C-T.
Identifiers: ClinVar variation 4984441 (VCV004984441.1).

ClinVar aggregate classification (germline): Likely benign (1 of 4 stars; one submission).

Conditions:
WDR11-related disorder. Also called: WDR11-related condition.

gnomAD v4.1: 34 of 1,614,076 alleles (0.0021%); highest among the groups gnomAD compares: African/African-American, 0.004%; no homozygotes.

Submission:

PreventionGenetics, part of Exact Sciences
Classification: Likely benign for WDR11-related condition. Last evaluated: 2024-11-25. Review status: criteria provided, single submitter. Criteria: ACMG Guidelines, 2015. Collection method: clinical testing. Allele origin: germline.
Comment: This variant is classified as likely benign based on ACMG/AMP sequence variant interpretation guidelines (Richards et al. 2015 PMID: 25741868, with internal and published modifications).